The following is an entry in ClinVar:

NM_000834.5(GRIN2B):c.3499G>A (p.Val1167Ile)

Gene: GRIN2B (glutamate ionotropic receptor NMDA type subunit 2B; minus strand). Cytogenetic location: 12p13.1.
Variant type: single nucleotide variant.
Coding change: c.3499G>A on transcript NM_000834.5 (MANE Select); coding-DNA position 3499, G replaced by A.
Protein change: p.Val1167Ile; replaces valine 1167 with isoleucine.
Molecular consequence: missense variant.
Genome position (GRCh38, 1-based): chr12:13,563,739, C>T on the plus strand (G>A on the coding strand, the complement: GRIN2B is on the minus strand). VCF-style: chr12-13563739-C-T. GRCh37 (hg19) VCF-style: chr12-13716673-C-T.
Other names: short protein forms V1167I.
Identifiers: ClinVar variation 245684 (VCV000245684.14), dbSNP rs1042339, ClinGen allele CA6460888.

ClinVar aggregate classification (germline): Conflicting classifications of pathogenicity. Review status: criteria provided, conflicting classifications (1 of 4 stars). 4 submissions from 4 submitters: Uncertain significance (2); Benign (1); Likely benign (1). Last evaluated 2025-06-17.

Conditions:
Inborn genetic diseases. Identifiers: MedGen C0950123, MeSH D030342.
Intellectual developmental disorder, autosomal dominant 6, with or without seizures. Also called: Intellectual disability, autosomal dominant 6; GRIN2B-related developmental delay, intellectual disability and autism spectrum disorder. Identifiers: Orphanet 589547, MedGen C3151411, MONDO:0013509, OMIM 613970.
Developmental and epileptic encephalopathy, 27 (DEE27). Also called: Epileptic encephalopathy, early infantile, 27; GRIN2B-Related Neurodevelopmental Disorder. Identifiers: Orphanet 3451, MedGen C4015316, MONDO:0014505, OMIM 616139.

Allele frequency attached by ClinVar (database versions not stated): gnomAD exomes 0.00001; ExAC 0.00002; gnomAD 0.00002 and 0.00003; TOPMed 0.00003; ESP Exome Variant Server 0.00008.
gnomAD v4.1: 17 of 1,613,928 alleles (0.0011%); highest among the groups gnomAD compares: African/African-American, 0.0053%; no homozygotes.

Submissions (4):

Labcorp Genetics (formerly Invitae), Labcorp
Classification: Benign for Developmental and epileptic encephalopathy, 27; Intellectual developmental disorder, autosomal dominant 6, with or without seizures. Last evaluated: 2025-06-17. Review status: criteria provided, single submitter. Criteria: Invitae Variant Classification Sherloc (09022015). Collection method: clinical testing. Allele origin: germline.

Blueprint Genetics
Classification: Likely benign. Last evaluated: 2024-04-05. Review status: criteria provided, single submitter. Criteria: ACMG Guidelines, 2015. Collection method: clinical testing. Allele origin: germline.

Ambry Genetics
Classification: Uncertain significance for Inborn genetic diseases. Last evaluated: 2020-03-20. Review status: criteria provided, single submitter. Criteria: Ambry Variant Classification Scheme 2023. Collection method: clinical testing. Allele origin: germline.
Comment: The p.V1167I variant (also known as c.3499G>A), located in coding exon 12 of the GRIN2B gene, results from a G to A substitution at nucleotide position 3499. The valine at codon 1167 is replaced by isoleucine, an amino acid with highly similar properties. This amino acid position is not well conserved in available vertebrate species, and isoleucine is the reference amino acid in other vertebrate species. In addition, this alteration is predicted to be tolerated by in silico analysis. Since supporting evidence is limited at this time, the clinical significance of this alteration remains unclear.

GeneDx
Classification: Uncertain significance. Last evaluated: 2017-04-18. Review status: criteria provided, single submitter. Criteria: GeneDx Variant Classification (06012015). Collection method: clinical testing. Allele origin: germline. Affected: yes.